The following is an entry in ClinVar:

ClinVar aggregate classification (germline): Pathogenic (1 of 4 stars; one submission).

Conditions:
Peroxisome biogenesis disorder. Identifiers: Orphanet 79189, MedGen C1832200, MONDO:0019234. Disease mechanism: loss of function.

Submission:

Myriad Genetics, Inc.
Classification: Pathogenic for Peroxisome biogenesis disorder. Last evaluated: 2023-09-27. Review status: criteria provided, single submitter. Criteria: Myriad Autosomal Dominant, Autosomal Recessive and X-Linked Classification Criteria (2023). Collection method: clinical testing. Allele origin: unknown.
Comment: NM_000466.2(PEX1):c.707dupC(V237Sfs*2) is expected to be pathogenic in the context of peroxisome biogenesis disorder type 1. This variant is predicted to lead to an abnormal or absent protein product due to the creation of a premature termination codon in PEX1, a gene where loss-of-function variants are known to be pathogenic. Please note: this variant was assessed in the context of healthy population screening.

NM_000466.3(PEX1):c.707dup (p.Val237fs)

Gene: PEX1 (peroxisomal biogenesis factor 1; minus strand). Cytogenetic location: 7q21.2.
Variant type: Duplication.
Coding change: c.707dup on transcript NM_000466.3 (MANE Select); coding-DNA position 707, one base duplicated (C; older notation c.707dupC).
Protein change: p.Val237fs; shifts the reading frame from valine 237.
Molecular consequence: frameshift variant.
Genome position (GRCh38, 1-based): chr7:92,517,808, G duplicated on the plus strand (C on the coding strand, the reverse complement: PEX1 is on the minus strand); the first of 2 consecutive G bases (chr7:92,517,808-92,517,809); duplicating either gives the same sequence. VCF-style (leftmost placement, unchanged base first): chr7-92517807-T-TG. GRCh37 (hg19) VCF-style: chr7-92147121-T-TG.
Other names: c.707dup, p.Val237fs (NM_001282677.2); c.83dup, p.Val29fs (NM_001282678.2); short protein forms V237fs, V29fs.
Identifiers: ClinVar variation 5012293 (VCV005012293.1).